The following is an entry in ClinVar:

ClinVar aggregate classification (germline): Uncertain significance (1 of 4 stars; one submission).

Conditions:
Hereditary spastic paraplegia 57. Also called: Spastic paraplegia 57, autosomal recessive. Identifiers: Orphanet 431329, MedGen C3714897, MONDO:0014295, OMIM 615658.
Hereditary motor and sensory neuropathy, Okinawa type (HMSNO). Also called: HEREDITARY MOTOR AND SENSORY NEUROPATHY, PROXIMAL TYPE. Identifiers: Orphanet 90117, MedGen C1858338, MONDO:0011468, OMIM 604484.

Allele frequency attached by ClinVar (database versions not stated): gnomAD exomes below 0.00001 and 0.00001; ExAC 0.00001.
gnomAD v4.1: 3 of 1,614,102 alleles (0.00019%); highest among the groups gnomAD compares: Non-Finnish European, 0.00025%; no homozygotes.

Submission:

Labcorp Genetics (formerly Invitae), Labcorp
Classification: Uncertain significance for Hereditary motor and sensory neuropathy, Okinawa type; Hereditary spastic paraplegia 57. Last evaluated: 2022-07-12. Review status: criteria provided, single submitter. Criteria: Invitae Variant Classification Sherloc (09022015). Collection method: clinical testing. Allele origin: germline.
Comment: In summary, the available evidence is currently insufficient to determine the role of this variant in disease. Therefore, it has been classified as a Variant of Uncertain Significance. Algorithms developed to predict the effect of missense changes on protein structure and function are either unavailable or do not agree on the potential impact of this missense change (SIFT: "Tolerated"; PolyPhen-2: "Possibly Damaging"; Align-GVGD: "Class C0"). ClinVar contains an entry for this variant (Variation ID: 1407548). This variant has not been reported in the literature in individuals affected with TFG-related conditions. This variant is present in population databases (rs750232252, gnomAD 0.0009%). This sequence change replaces proline, which is neutral and non-polar, with alanine, which is neutral and non-polar, at codon 343 of the TFG protein (p.Pro343Ala).

NM_006070.6(TFG):c.1027C>G (p.Pro343Ala)

Gene: TFG (trafficking from ER to golgi regulator; plus strand). Cytogenetic location: 3q12.2.
Variant type: single nucleotide variant.
Coding change: c.1027C>G on transcript NM_006070.6 (MANE Select); coding-DNA position 1027, C replaced by G.
Protein change: p.Pro343Ala; replaces proline 343 with alanine.
Molecular consequence: missense variant.
Genome position (GRCh38, 1-based): chr3:100,748,355, C>G. VCF-style: chr3-100748355-C-G. GRCh37 (hg19) VCF-style: chr3-100467199-C-G.
Other names: c.1027C>G, p.Pro343Ala (NM_001007565.2, NM_001195478.2); c.1015C>G, p.Pro339Ala (NM_001195479.2); short protein forms P339A, P343A.
Identifiers: ClinVar variation 1407548 (VCV001407548.8), dbSNP rs750232252, ClinGen allele CA2517244.
Genomic context (GRCh38, chr3:100,748,355, plus strand): 5'-AATTATCCTGCACAAACTTACACTGCCCAAACTTCTCAGCCTACTAATTATACTGTGGCT[C>G]CTGCCTCTCAACCTGGAATGGCTCCAAGCCAACCTGGGGCCTATCAACCAAGACCAGGTT-3'
Protein context (NP_006061.2, residues 333-353): TSQPTNYTVA[Pro343Ala]ASQPGMAPSQ